The following is an entry in ClinVar:

ClinVar aggregate classification (germline): Uncertain significance. Review status: criteria provided, multiple submitters, no conflicts (2 of 4 stars). 2 submissions from 2 submitters: Uncertain significance (2). Last evaluated 2025-06-07.

Conditions:
Inborn genetic diseases. Identifiers: MedGen C0950123, MeSH D030342.

Allele frequency attached by ClinVar (database versions not stated): gnomAD exomes below 0.00001; TOPMed below 0.00001.
gnomAD v4.1: 4 of 1,605,462 alleles (0.00025%); highest among the groups gnomAD compares: Non-Finnish European, 0.00034%; no homozygotes.

Submissions (2):

Ambry Genetics
Classification: Uncertain significance for Inborn genetic diseases. Last evaluated: 2025-06-07. Review status: criteria provided, single submitter. Criteria: Ambry Variant Classification Scheme 2023. Collection method: clinical testing. Allele origin: germline.

GeneDx
Classification: Uncertain significance. Last evaluated: 2022-05-17. Review status: criteria provided, single submitter. Criteria: GeneDx Variant Classification Process June 2021. Collection method: clinical testing. Allele origin: germline. Affected: yes.
Comment: Not observed at significant frequency in large population cohorts (gnomAD); In silico analysis supports that this missense variant does not alter protein structure/function; Has not been previously published as pathogenic or benign to our knowledge

NM_014727.3(KMT2B):c.1789C>A (p.Pro597Thr)

Gene: KMT2B (lysine methyltransferase 2B; plus strand). Cytogenetic location: 19q13.12.
Variant type: single nucleotide variant.
Coding change: c.1789C>A on transcript NM_014727.3 (MANE Select); coding-DNA position 1789, C replaced by A.
Protein change: p.Pro597Thr; replaces proline 597 with threonine.
Molecular consequence: missense variant.
Genome position (GRCh38, 1-based): chr19:35,721,136, C>A. VCF-style: chr19-35721136-C-A. GRCh37 (hg19) VCF-style: chr19-36212038-C-A.
Other names: c.1789C>A (NM_014727.1); short protein forms P597T.
Identifiers: ClinVar variation 1800542 (VCV001800542.2), dbSNP rs920292369, ClinGen allele CA307783224.
Genomic context (GRCh38, chr19:35,721,136, plus strand): 5'-CCAGCACCAGTCCCCTCTCCACCACGTGCCCCAACTCCTCCATCTACCCCAGTTCCACTC[C>A]CTGAGAAGAGACGGTCCATCCTAAGGGAACCCACATTTCGCTGGACCTCACTGACCCGGG-3'
Protein context (NP_055542.1, residues 587-607): PTPPSTPVPL[Pro597Thr]EKRRSILREP